The following is an entry in ClinVar:

NM_000179.3(MSH6):c.1617T>C (p.Leu539=)

Gene: MSH6 (mutS homolog 6; plus strand). Cytogenetic location: 2p16.3.
Variant type: single nucleotide variant.
Coding change: c.1617T>C on transcript NM_000179.3 (MANE Select); coding-DNA position 1617, T replaced by C.
Protein change: p.Leu539=; no amino-acid change (leucine 539 retained).
Molecular consequence: synonymous variant. On other transcripts: non-coding transcript variant (4), intron variant (2).
Genome position (GRCh38, 1-based): chr2:47,799,600, T>C. VCF-style: chr2-47799600-T-C. GRCh37 (hg19) VCF-style: chr2-48026739-T-C.
Other names: c.1227T>C, p.Leu409= (NM_001281492.2); c.711T>C, p.Leu237= (NM_001281493.2, NM_001281494.2, NM_001406811.1 and 6 more transcripts); c.1713T>C, p.Leu571= (NM_001406795.1, NM_001406802.1); c.1617T>C, p.Leu539= (NM_001406796.1, NM_001406798.1, NM_001406800.1 and 3 more transcripts); c.1320T>C, p.Leu440= (NM_001406797.1, NM_001406801.1, NM_001406805.1 and 10 more transcripts); c.1092T>C, p.Leu364= (NM_001406799.1, NM_001406806.1, NM_001406807.1); c.1539T>C, p.Leu513= (NM_001406804.1); c.1623T>C, p.Leu541= (NM_001406813.1); and 3 more.
Identifiers: ClinVar variation 2011336 (VCV002011336.6), dbSNP rs2104355971, ClinGen allele CA426121423.
Genomic context (GRCh38, chr2:47,799,600, plus strand): 5'-GGGTACACAGACTTACAGTGTGCTGGAAGGTGATCCCTCTGAGAACTACAGTAAGTATCT[T>C]CTTAGCCTCAAAGAAAAAGAGGAAGATTCTTCTGGCCATACTCGTGCATATGGTGTGTGC-3'
Protein context (NP_000170.1, residues 529-549): GDPSENYSKY[Leu539=]LSLKEKEEDS

ClinVar aggregate classification (germline): Benign/Likely benign. Review status: criteria provided, multiple submitters, no conflicts (2 of 4 stars). 3 submissions from 3 submitters: Benign (1); Likely benign (2). Last evaluated 2025-05-31.

Conditions:
Hereditary nonpolyposis colorectal neoplasms. Identifiers: MedGen C0009405, MeSH D003123.
Hereditary cancer-predisposing syndrome. Also called: Tumor predisposition; Neoplastic Syndromes, Hereditary; Hereditary Cancer Syndrome; Hereditary neoplastic syndrome. Identifiers: Orphanet 140162, MedGen C0027672, MeSH D009386, MONDO:0015356.
Lynch syndrome 5 (LYNCH5). Also called: Colorectal cancer, hereditary nonpolyposis, type 5; Hereditary non-polyposis colorectal cancer, type 5. Identifiers: Orphanet 144, MedGen C1833477, MONDO:0013710, OMIM 614350. Disease mechanism: loss of function.

Submissions (3):

Ambry Genetics
Classification: Likely benign for Hereditary cancer-predisposing syndrome. Last evaluated: 2025-05-31. Review status: criteria provided, single submitter. Criteria: Ambry Variant Classification Scheme 2023. Collection method: clinical testing. Allele origin: germline.

Myriad Genetics, Inc.
Classification: Benign for Lynch syndrome 5. Last evaluated: 2024-12-27. Review status: criteria provided, single submitter. Criteria: Myriad Autosomal Dominant, Autosomal Recessive and X-Linked Classification Criteria (2023). Collection method: clinical testing. Allele origin: unknown.
Comment: This variant is considered benign. This variant is a silent/synonymous amino acid change and it is not expected to impact splicing.

Labcorp Genetics (formerly Invitae), Labcorp
Classification: Likely benign for Hereditary nonpolyposis colorectal neoplasms. Last evaluated: 2022-06-27. Review status: criteria provided, single submitter. Criteria: Invitae Variant Classification Sherloc (09022015). Collection method: clinical testing. Allele origin: germline.